The following is an entry in ClinVar:

ClinVar aggregate classification (germline): Uncertain significance. Review status: criteria provided, multiple submitters, no conflicts (2 of 4 stars). 7 submissions from 7 submitters: Uncertain significance (6). 1 of the submissions does not count toward it. Last evaluated 2025-08-18.

Conditions:
ATM-related disorder. Also called: ATM-related disorders; ATM-related condition.
Hereditary cancer-predisposing syndrome. Also called: Neoplastic Syndromes, Hereditary; Hereditary Cancer Syndrome; Tumor predisposition; Hereditary neoplastic syndrome. Identifiers: Orphanet 140162, MedGen C0027672, MeSH D009386, MONDO:0015356.
Ataxia-telangiectasia syndrome (AT). Also called: LOUIS-BAR SYNDROME; Cerebello-oculocutaneous telangiectasia; Immunodeficiency with ataxia telangiectasia; Ataxia-telangiectasia, complementation group D; AT, COMPLEMENTATION GROUP C; Ataxia-telangiectasia, complementation group E. Identifiers: Orphanet 100, MedGen C0004135, MONDO:0008840, OMIM 208900.

Allele frequency attached by ClinVar (database versions not stated): gnomAD exomes 0.00001; TOPMed below 0.00001.
gnomAD v4.1: 7 of 1,613,534 alleles (0.00043%); highest among the groups gnomAD compares: Non-Finnish European, 0.00059%; no homozygotes.

Submissions (7):

Color Diagnostics, LLC DBA Color Health
Classification: Uncertain significance for Hereditary cancer-predisposing syndrome. Last evaluated: 2025-08-18. Review status: criteria provided, single submitter. Criteria: ACMG Guidelines, 2015. Collection method: clinical testing. Allele origin: germline.
Comment: This missense variant replaces serine with arginine at codon 2215 of the ATM protein. Computational prediction suggests that this variant may not impact protein structure and function. To our knowledge, functional studies have not been reported for this variant. This variant has not been reported in individuals affected with ATM-related disorders in the literature. This variant has not been identified in the general population by the Genome Aggregation Database (gnomAD). The available evidence is insufficient to determine the role of this variant in disease conclusively. Therefore, this variant is classified as a Variant of Uncertain Significance.

Labcorp Genetics (formerly Invitae), Labcorp
Classification: Uncertain significance for Ataxia-telangiectasia syndrome. Last evaluated: 2025-08-07. Review status: criteria provided, single submitter. Criteria: Invitae Variant Classification Sherloc (09022015). Collection method: clinical testing. Allele origin: germline.
Comment: This sequence change replaces serine, which is neutral and polar, with arginine, which is basic and polar, at codon 2215 of the ATM protein (p.Ser2215Arg). This variant is not present in population databases (gnomAD no frequency). This variant has not been reported in the literature in individuals affected with ATM-related conditions. ClinVar contains an entry for this variant (Variation ID: 420454). Invitae Evidence Modeling of protein sequence and biophysical properties (such as structural, functional, and spatial information, amino acid conservation, physicochemical variation, residue mobility, and thermodynamic stability) indicates that this missense variant is not expected to disrupt ATM protein function with a negative predictive value of 95%. RNA analysis performed to evaluate the impact of this missense change on mRNA splicing indicates it does not significantly alter splicing (internal data). In summary, the available evidence is currently insufficient to determine the role of this variant in disease. Therefore, it has been classified as a Variant of Uncertain Significance.

Ambry Genetics
Classification: Uncertain significance for Hereditary cancer-predisposing syndrome. Last evaluated: 2023-09-26. Review status: criteria provided, single submitter. Criteria: Ambry Variant Classification Scheme 2023. Collection method: clinical testing. Allele origin: germline.
Comment: The p.S2215R variant (also known as c.6645T>G), located in coding exon 45 of the ATM gene, results from a T to G substitution at nucleotide position 6645. The serine at codon 2215 is replaced by arginine, an amino acid with dissimilar properties. This amino acid position is well conserved in available vertebrate species. In addition, the in silico prediction for this alteration is inconclusive. Since supporting evidence is limited at this time, the clinical significance of this alteration remains unclear.

PreventionGenetics, part of Exact Sciences
Classification: Uncertain significance for ATM-related condition. Last evaluated: 2023-06-17. Review status: criteria provided, single submitter. Criteria: ACMG Guidelines, 2015. Collection method: clinical testing. Allele origin: germline.
Comment: The ATM c.6645T>G variant is predicted to result in the amino acid substitution p.Ser2215Arg. To our knowledge, this variant has not been reported in the literature or in a large population database, indicating this variant is rare. This variant is interpreted as uncertain in ClinVar. At this time, the clinical significance of this variant is uncertain due to the absence of conclusive functional and genetic evidence.

St. Jude Molecular Pathology, St. Jude Children's Research Hospital
Classification: Uncertain significance for Ataxia-telangiectasia syndrome. Last evaluated: 2023-06-09. Review status: criteria provided, single submitter. Criteria: St. Jude Assertion Criteria 2020. Collection method: clinical testing. Allele origin: germline.
Comment: The ATM c.6645T>G (p.Ser2215Arg) missense change is absent in gnomAD v2.1.1. The in silico tool REVEL is inconclusive about a pathogenic or benign effect of this variant on protein function, and to our knowledge functional studies have not been performed. This variant was not reported in a database of women older than 70 years of age who have never had cancer (FLOSSIES database). To our knowledge, this variant has not been reported in individuals with ataxia telangiectasia or breast cancer. In summary, the evidence currently available is insufficient to determine the clinical significance of this variant. It has therefore been classified as of uncertain significance.

GeneDx
Classification: Uncertain significance. Last evaluated: 2019-08-22. Review status: criteria provided, single submitter. Criteria: GeneDx Variant Classification Process June 2021. Collection method: clinical testing. Allele origin: germline. Affected: yes.
Comment: Not observed in large population cohorts (Lek 2016); In silico analysis, which includes protein predictors and evolutionary conservation, supports a deleterious effect; Has not been previously published as pathogenic or benign to our knowledge

Natera, Inc.
Classification: Uncertain significance for Ataxia-telangiectasia. Last evaluated: 2020-09-30. Review status: no assertion criteria provided. Collection method: clinical testing. Allele origin: germline. Not counted in ClinVar's aggregate classification.

NM_000051.4(ATM):c.6645T>G (p.Ser2215Arg)

Genes: ATM (ATM serine/threonine kinase; plus strand), C11orf65 (chromosome 11 open reading frame 65; minus strand). Cytogenetic location: 11q22.3.
Variant type: single nucleotide variant.
Coding change: c.6645T>G on transcript NM_000051.4 (MANE Select); coding-DNA position 6645, T replaced by G.
Protein change: p.Ser2215Arg; replaces serine 2215 with arginine.
Molecular consequence: missense variant. On other transcripts: intron variant (2).
Genome position (GRCh38, 1-based): chr11:108,325,382, T>G. VCF-style: chr11-108325382-T-G. GRCh37 (hg19) VCF-style: chr11-108196109-T-G.
Other names: c.6645T>G, p.Ser2215Arg (NM_001351834.2); c.641-16311A>C (NM_001330368.2); c.*38+9838A>C (NM_001351110.2); short protein forms S2215R.
Identifiers: ClinVar variation 420454 (VCV000420454.69), dbSNP rs1064794485, ClinGen allele CA16619218.